The following is an entry in ClinVar:

NM_001366145.2(TRPM3):c.4229C>G (p.Ser1410Trp)

Genes: KLF9-DT (KLF9 divergent transcript; plus strand), TRPM3 (transient receptor potential cation channel subfamily M member 3; minus strand). Cytogenetic location: 9q21.12.
Variant type: single nucleotide variant.
Coding change: c.4229C>G on transcript NM_001366145.2 (MANE Select); coding-DNA position 4229, C replaced by G.
Protein change: p.Ser1410Trp; replaces serine 1410 with tryptophan.
Molecular consequence: missense variant. On other transcripts: intron variant (8).
Genome position (GRCh38, 1-based): chr9:70,536,884, G>C on the plus strand (C>G on the coding strand, the complement: TRPM3 is on the minus strand). VCF-style: chr9-70536884-G-C. GRCh37 (hg19) VCF-style: chr9-73151800-G-C.
Other names: c.4193C>G, p.Ser1398Trp (NM_001007471.4); c.4199C>G, p.Ser1400Trp (NM_001366141.2, NM_001366149.2); c.4304C>G, p.Ser1435Trp (NM_001366147.2); c.3734C>G, p.Ser1245Trp (NM_020952.6); c.3770C>G, p.Ser1257Trp (NM_024971.7); c.3704C>G, p.Ser1235Trp (NM_206944.5); c.3740C>G, p.Ser1247Trp (NM_206945.5); c.3809C>G, p.Ser1270Trp (NM_206946.5); and 9 more; short protein forms S1235W, S1245W, S1247W, S1257W, S1260W, S1270W, S1398W, S1400W.
Identifiers: ClinVar variation 1695667 (VCV001695667.2), dbSNP rs1477490960, ClinGen allele CA373550638.
Genomic context (GRCh38, chr9:70,536,884, plus strand): 5'-TCCAGAGGGTCTATATCACAGTGGAGCTCATCCATAGCAGAGACATAGATGTCTATACAC[G>C]ATGATGGTCTTCTGGAATCAGGAACAATGGCCAAGGTGTTGGCAGGGGCTGCAGGAGCTT-3'
Protein context (NP_001353074.1, residues 1400-1420): AIVPDSRRPS[Ser1410Trp]CIDIYVSAMD

ClinVar aggregate classification (germline): Uncertain significance (1 of 4 stars; one submission).

Submission:

GeneDx
Classification: Uncertain significance. Last evaluated: 2022-01-07. Review status: criteria provided, single submitter. Criteria: GeneDx Variant Classification Process June 2021. Collection method: clinical testing. Allele origin: germline. Affected: yes.
Comment: Not observed at significant frequency in large population cohorts (gnomAD); In silico analysis supports that this missense variant has a deleterious effect on protein structure/function; Has not been previously published as pathogenic or benign to our knowledge